The following is an entry in ClinVar:

ClinVar aggregate classification (germline): Uncertain significance. Review status: criteria provided, multiple submitters, no conflicts (2 of 4 stars). 4 submissions from 4 submitters: Uncertain significance (3). 1 of the submissions does not count toward it. Last evaluated 2025-12-21.

Conditions:
SLC10A2-related disorder. Also called: SLC10A2-related condition.

Submissions (4):

Labcorp Genetics (formerly Invitae), Labcorp
Classification: Uncertain significance. Last evaluated: 2025-12-21. Review status: criteria provided, single submitter. Criteria: Invitae Variant Classification Sherloc (09022015). Collection method: clinical testing. Allele origin: germline.
Comment: This sequence change creates a premature translational stop signal (p.Leu194Lysfs*14) in the SLC10A2 gene. It is expected to result in an absent or disrupted protein product. However, the current clinical and genetic evidence is not sufficient to establish whether loss-of-function variants in SLC10A2 cause disease. This variant is present in population databases (rs755496504, gnomAD 0.005%). This variant has not been reported in the literature in individuals affected with SLC10A2-related conditions. ClinVar contains an entry for this variant (Variation ID: 597623). In summary, the available evidence is currently insufficient to determine the role of this variant in disease. Therefore, it has been classified as a Variant of Uncertain Significance.

Dasa
Classification: Uncertain significance. Last evaluated: 2025-02-13. Review status: criteria provided, single submitter. Criteria: DASA Assertion Criteria. Collection method: clinical testing. Allele origin: germline.
Comment: NM_000452.3(SLC10A2):c.580_583del (p.Leu194Lysfs*14) is a frameshift variant in SLC10A2 predicted to alter the reading frame and introduce a premature termination codon and is predicted to result in an absent or altered protein product. This variant is rare in population databases. The currently available literature and clinical evidence are not sufficient to establish a definitive association between this variant and the reported condition. Therefore, this variant is classified as a variant of uncertain significance.

Eurofins Ntd Llc (ga)
Classification: Uncertain significance. Last evaluated: 2018-06-20. Review status: criteria provided, single submitter. Criteria: EGL ClinVar v180209 classification definitions. Collection method: clinical testing. Allele origin: germline. Observed: 1 variant allele, 1 heterozygote.

PreventionGenetics, part of Exact Sciences
Classification: Uncertain significance for SLC10A2-related condition. Last evaluated: 2024-06-14. Review status: no assertion criteria provided. Collection method: clinical testing. Allele origin: germline. Not counted in ClinVar's aggregate classification.
Comment: The SLC10A2 c.580_583delCTTA variant is predicted to result in a frameshift and premature protein termination (p.Leu194Lysfs*14). To our knowledge, this variant has not been reported in the literature. This variant is reported in 0.0047% of alleles in individuals of European (Non-Finnish) descent in gnomAD. An overlapping indel (referred to as "exon 3 splice junction mutation" and predicted to result in a frameshift) has been reported in the compound heterozygous state in an individual with primary bile acid malabsorption (Oelkers et al. 1997. PubMed ID: 9109432). However, few SLC10A2 premature termination variants have been reported in association with disease, so this genetic mechanism is not established. Although we suspect that the c.580_583delCTTA (p.Leu194Lysfs*14) variant may be pathogenic, at this time, the clinical significance of this variant is uncertain due to the absence of conclusive functional and genetic evidence.

NM_000452.3(SLC10A2):c.580_583del (p.Leu194fs)

Gene: SLC10A2 (solute carrier family 10 member 2; minus strand). Cytogenetic location: 13q33.1.
Variant type: Deletion.
Coding change: c.580_583del on transcript NM_000452.3 (MANE Select); coding-DNA positions 580 to 583, 4 bases deleted (CTTA; older notation c.580_583delCTTA).
Protein change: p.Leu194fs; shifts the reading frame from leucine 194.
Molecular consequence: frameshift variant.
Genome position (GRCh38, 1-based): chr13:103,052,622-103,052,625, TAAG deleted on the plus strand (CTTA on the coding strand, the reverse complement: SLC10A2 is on the minus strand); deleting any 4 consecutive bases within chr13:103,052,622-103,052,627 gives the same sequence; the c. name uses the placement nearest the transcript's 3' end. VCF-style (leftmost placement, unchanged base first): chr13-103052621-TTAAG-T. GRCh37 (hg19) VCF-style: chr13-103704971-TTAAG-T.
Other names: c.580_583delCTTA (NM_000452.2); short protein forms L194fs.
Identifiers: ClinVar variation 597623 (VCV000597623.12), dbSNP rs755496504, ClinGen allele CA7042150.
Genomic context (GRCh38, chr13:103,052,621, plus strand): 5'-AACCCTATGGTTTTGATTGTCACAGTGGAATATTTAATGGTGTGAACTGGGATACTTACT[TTAAG>T]TATGATCTTTGCTTTTTGGGGCCATTTGTGATTAACAAACATTCCAATGGAAACAGGAAC-3'